The following is an entry in ClinVar:

ClinVar aggregate classification (germline): Uncertain significance (1 of 4 stars; one submission).

Conditions:
Familial hemophagocytic lymphohistiocytosis 5. Also called: STXBP2-Related Familial Hemophagocytic Lymphohistiocytosis (STXBP2-fHLH). Identifiers: Orphanet 540, MedGen C2751293, MONDO:0013135, OMIM 613101.

Allele frequency attached by ClinVar (database versions not stated): ExAC 0.00001; gnomAD 0.00001; gnomAD exomes 0.00001.
gnomAD v4.1: 29 of 1,614,098 alleles (0.0018%); highest among the groups gnomAD compares: African/African-American, 0.0027%; no homozygotes.

Submission:

Labcorp Genetics (formerly Invitae), Labcorp
Classification: Uncertain significance for Familial hemophagocytic lymphohistiocytosis 5. Last evaluated: 2025-01-13. Review status: criteria provided, single submitter. Criteria: Invitae Variant Classification Sherloc (09022015). Collection method: clinical testing. Allele origin: germline.
Comment: This sequence change replaces arginine, which is basic and polar, with histidine, which is basic and polar, at codon 120 of the STXBP2 protein (p.Arg120His). This variant is present in population databases (rs777213175, gnomAD 0.004%). This variant has not been reported in the literature in individuals affected with STXBP2-related conditions. ClinVar contains an entry for this variant (Variation ID: 1450307). Invitae Evidence Modeling of protein sequence and biophysical properties (such as structural, functional, and spatial information, amino acid conservation, physicochemical variation, residue mobility, and thermodynamic stability) indicates that this missense variant is not expected to disrupt STXBP2 protein function with a negative predictive value of 95%. In summary, the available evidence is currently insufficient to determine the role of this variant in disease. Therefore, it has been classified as a Variant of Uncertain Significance.

NM_006949.4(STXBP2):c.359G>A (p.Arg120His)

Gene: STXBP2 (syntaxin binding protein 2; plus strand). Cytogenetic location: 19p13.2.
Variant type: single nucleotide variant.
Coding change: c.359G>A on transcript NM_006949.4 (MANE Select); coding-DNA position 359, G replaced by A.
Protein change: p.Arg120His; replaces arginine 120 with histidine.
Molecular consequence: missense variant. On other transcripts: non-coding transcript variant (1).
Genome position (GRCh38, 1-based): chr19:7,640,933, G>A. VCF-style: chr19-7640933-G-A. GRCh37 (hg19) VCF-style: chr19-7705819-G-A.
Other names: c.350G>A, p.Arg117His (NM_001127396.3); c.392G>A, p.Arg131His (NM_001272034.2); short protein forms R120H, R131H, R117H.
Identifiers: ClinVar variation 1450307 (VCV001450307.5), dbSNP rs777213175, ClinGen allele CA9143602.
Genomic context (GRCh38, chr19:7,640,933, plus strand): 5'-TGATGCCCCACTCCTGCCTCACCCCAGCCTGCCCCGAGCCCCTGTTCAGTGAGCTAGGCC[G>A]CTCTCGTCTGGCAAAGGTGGTGAAGACGTTGAAGGAGATTCACCTTGCCTTCCTCCCCTA-3'
Protein context (NP_008880.2, residues 110-130): CPEPLFSELG[Arg120His]SRLAKVVKTL